The following is an entry in ClinVar:

NM_002976.4(SCN7A):c.2874G>T (p.Met958Ile)

Gene: SCN7A (sodium voltage-gated channel alpha subunit 7; minus strand). Cytogenetic location: 2q24.3.
Variant type: single nucleotide variant.
Coding change: c.2874G>T on transcript NM_002976.4 (MANE Select); coding-DNA position 2874, G replaced by T.
Protein change: p.Met958Ile; replaces methionine 958 with isoleucine.
Molecular consequence: missense variant. On other transcripts: non-coding transcript variant (1).
Genome position (GRCh38, 1-based): chr2:166,423,412, C>A on the plus strand (G>T on the coding strand, the complement: SCN7A is on the minus strand). VCF-style: chr2-166423412-C-A. GRCh37 (hg19) VCF-style: chr2-167279922-C-A.
Other names: short protein forms M958I.
Identifiers: ClinVar variation 3059687 (VCV003059687.2), dbSNP rs6738031, ClinGen allele CA1945357.

ClinVar aggregate classification (germline): Benign (0 of 4 stars; one submission).

Conditions:
SCN7A-related disorder. Also called: SCN7A-related condition.

Allele frequency attached by ClinVar (database versions not stated): ExAC 0.71736; 1000 Genomes Project 0.74461; 1000 Genomes Project 30x 0.75437; ESP Exome Variant Server 0.75547; TOPMed 0.75919.
gnomAD v4.1: 1,100,954 of 1,574,744 alleles (70%); highest among the groups gnomAD compares: African/African-American, 93%; 387,363 homozygotes.

Submission:

PreventionGenetics, part of Exact Sciences
Classification: Benign for SCN7A-related condition. Last evaluated: 2019-10-17. Review status: no assertion criteria provided. Collection method: clinical testing. Allele origin: germline.
Comment: This variant is classified as benign based on ACMG/AMP sequence variant interpretation guidelines (Richards et al. 2015 PMID: 25741868, with internal and published modifications).